The following is an entry in ClinVar:

NM_176787.5(PIGN):c.2666G>T (p.Gly889Val)

Gene: PIGN (phosphatidylinositol glycan anchor biosynthesis class N; minus strand). Cytogenetic location: 18q21.33.
Variant type: single nucleotide variant.
Coding change: c.2666G>T on transcript NM_176787.5 (MANE Select); coding-DNA position 2666, G replaced by T.
Protein change: p.Gly889Val; replaces glycine 889 with valine.
Molecular consequence: missense variant.
Genome position (GRCh38, 1-based): chr18:62,072,679, C>A on the plus strand (G>T on the coding strand, the complement: PIGN is on the minus strand). VCF-style: chr18-62072679-C-A. GRCh37 (hg19) VCF-style: chr18-59739912-C-A.
Other names: c.2666G>T, p.Gly889Val (NM_012327.6); short protein forms G889V.
Identifiers: ClinVar variation 1994693 (VCV001994693.3), dbSNP rs779410285, ClinGen allele CA8981902.

ClinVar aggregate classification (germline): Uncertain significance (1 of 4 stars; one submission).

Conditions:
Multiple congenital anomalies-hypotonia-seizures syndrome 1 (MCAHS1). Also called: PIGN-CDG; Congenital disorder of glycosylation due to PIGN deficiency; GLYCOSYLPHOSPHATIDYLINOSITOL BIOSYNTHESIS DEFECT 3. Identifiers: Orphanet 280633, MedGen C3279775, MONDO:0013563, OMIM 614080.

Allele frequency attached by ClinVar (database versions not stated): gnomAD exomes below 0.00001; ExAC 0.00002.
gnomAD v4.1: 2 of 1,604,694 alleles (0.00012%); highest among the groups gnomAD compares: African/African-American, 0.0027%; no homozygotes.

Submission:

Labcorp Genetics (formerly Invitae), Labcorp
Classification: Uncertain significance for Multiple congenital anomalies-hypotonia-seizures syndrome 1. Last evaluated: 2024-11-05. Review status: criteria provided, single submitter. Criteria: Invitae Variant Classification Sherloc (09022015). Collection method: clinical testing. Allele origin: germline.
Comment: This sequence change replaces glycine, which is neutral and non-polar, with valine, which is neutral and non-polar, at codon 889 of the PIGN protein (p.Gly889Val). This variant is present in population databases (rs779410285, gnomAD 0.01%). This variant has not been reported in the literature in individuals affected with PIGN-related conditions. ClinVar contains an entry for this variant (Variation ID: 1994693). Invitae Evidence Modeling of protein sequence and biophysical properties (such as structural, functional, and spatial information, amino acid conservation, physicochemical variation, residue mobility, and thermodynamic stability) indicates that this missense variant is expected to disrupt PIGN protein function with a positive predictive value of 80%. In summary, the available evidence is currently insufficient to determine the role of this variant in disease. Therefore, it has been classified as a Variant of Uncertain Significance.